The following is an entry in ClinVar:

ClinVar aggregate classification (germline): Uncertain significance. Review status: criteria provided, multiple submitters, no conflicts (2 of 4 stars). 4 submissions from 4 submitters: Uncertain significance (4). Last evaluated 2026-04-27.

Conditions:
Hereditary cancer-predisposing syndrome. Also called: Tumor predisposition; Hereditary neoplastic syndrome; Neoplastic Syndromes, Hereditary; Hereditary Cancer Syndrome. Identifiers: Orphanet 140162, MedGen C0027672, MeSH D009386, MONDO:0015356.
Classic or attenuated familial adenomatous polyposis. Identifiers: MedGen CN372698, MONDO:0021057.
Familial adenomatous polyposis 1 (FAP1). Also called: POLYPOSIS, ADENOMATOUS INTESTINAL; FAMILIAL ADENOMATOUS POLYPOSIS 1, ATTENUATED. Identifiers: MedGen C2713442, MONDO:0021056, OMIM 175100. Disease mechanism: loss of function.

Submissions (4):

Ambry Genetics
Classification: Uncertain significance for Hereditary cancer-predisposing syndrome. Last evaluated: 2026-04-27. Review status: criteria provided, single submitter. Criteria: Ambry Variant Classification Scheme 2023. Collection method: clinical testing. Allele origin: germline.
Comment: The p.H307Q variant (also known as c.921T>A), located in coding exon 8 of the APC gene, results from a T to A substitution at nucleotide position 921. The histidine at codon 307 is replaced by glutamine, an amino acid with highly similar properties. This amino acid position is highly conserved in available vertebrate species. In addition, in silico predictors for this gene do not accurately predict pathogenicity. Missense variants in APC are not a common cause of disease (Spier I et al. Genet Med. 2024 Feb;26(2):100992). Based on the available evidence, the clinical significance of this variant remains unclear.

Labcorp Genetics (formerly Invitae), Labcorp
Classification: Uncertain significance for Familial adenomatous polyposis 1. Last evaluated: 2024-04-22. Review status: criteria provided, single submitter. Criteria: Invitae Variant Classification Sherloc (09022015). Collection method: clinical testing. Allele origin: germline.
Comment: This sequence change replaces histidine, which is basic and polar, with glutamine, which is neutral and polar, at codon 307 of the APC protein (p.His307Gln). This variant is not present in population databases (gnomAD no frequency). This variant has not been reported in the literature in individuals affected with APC-related conditions. ClinVar contains an entry for this variant (Variation ID: 470154). Advanced modeling of protein sequence and biophysical properties (such as structural, functional, and spatial information, amino acid conservation, physicochemical variation, residue mobility, and thermodynamic stability) performed at Invitae indicates that this missense variant is not expected to disrupt APC protein function with a negative predictive value of 95%. In summary, the available evidence is currently insufficient to determine the role of this variant in disease. Therefore, it has been classified as a Variant of Uncertain Significance.

All of Us Research Program, National Institutes of Health
Classification: Uncertain significance for Classic or attenuated familial adenomatous polyposis. Last evaluated: 2023-06-26. Review status: criteria provided, single submitter. Criteria: ACMG Guidelines, 2015. Collection method: clinical testing. Allele origin: germline. Inheritance: Autosomal dominant inheritance. Observed: 1 variant allele, 1 heterozygote.
Comment: This missense variant replaces histidine with glutamine at codon 307 of the APC protein. Computational prediction suggests that this variant may not impact protein structure and function (internally defined REVEL score threshold <= 0.5, PMID: 27666373). To our knowledge, functional studies have not been reported for this variant. This variant has not been reported in individuals affected with APC-related disorders in the literature. This variant has not been identified in the general population by the Genome Aggregation Database (gnomAD). The available evidence is insufficient to determine the role of this variant in disease conclusively. Therefore, this variant is classified as a Variant of Uncertain Significance.

This study involves interpretation of variants in research participants for the purpose of population health screening. Participant phenotype was not available at the time of variant classification. Additional details can be found in publication PMID: 35346344, PMCID: PMC8962531

Color Diagnostics, LLC DBA Color Health
Classification: Uncertain significance for Hereditary cancer-predisposing syndrome. Last evaluated: 2023-06-01. Review status: criteria provided, single submitter. Criteria: ACMG Guidelines, 2015. Collection method: clinical testing. Allele origin: germline.
Comment: This missense variant replaces histidine with glutamine at codon 307 of the APC protein. Computational prediction suggests that this variant may not impact protein structure and function (internally defined REVEL score threshold <= 0.5, PMID: 27666373). To our knowledge, functional studies have not been reported for this variant. This variant has not been reported in individuals affected with APC-related disorders in the literature. This variant has not been identified in the general population by the Genome Aggregation Database (gnomAD). The available evidence is insufficient to determine the role of this variant in disease conclusively. Therefore, this variant is classified as a Variant of Uncertain Significance.

NM_000038.6(APC):c.921T>A (p.His307Gln)

Gene: APC (APC regulator of Wnt signaling pathway; plus strand). Cytogenetic location: 5q22.2.
Variant type: single nucleotide variant.
Coding change: c.921T>A on transcript NM_000038.6 (MANE Select); coding-DNA position 921, T replaced by A.
Protein change: p.His307Gln; replaces histidine 307 with glutamine.
Molecular consequence: missense variant.
Genome position (GRCh38, 1-based): chr5:112,815,581, T>A. VCF-style: chr5-112815581-T-A. GRCh37 (hg19) VCF-style: chr5-112151278-T-A.
Other names: c.921T>A, p.His307Gln (NM_001127510.3, NM_001354895.2, NM_001354896.2 and 1 more transcripts); c.867T>A, p.His289Gln (NM_001127511.3); c.951T>A, p.His317Gln (NM_001354897.2, NM_001354902.2); c.846T>A, p.His282Gln (NM_001354898.2, NM_001354904.2); c.837T>A, p.His279Gln (NM_001354899.2); c.744T>A, p.His248Gln (NM_001354900.2, NM_001354901.2, NM_001354905.2); c.72T>A, p.His24Gln (NM_001354906.2); short protein forms H289Q, H307Q, H24Q, H279Q, H282Q, H317Q, H248Q.
Identifiers: ClinVar variation 470154 (VCV000470154.16), dbSNP rs1554079215, ClinGen allele CA16023326.